The following is an entry in ClinVar:

NM_001361.5(DHODH):c.746C>T (p.Pro249Leu)

Gene: DHODH (dihydroorotate dehydrogenase (quinone); plus strand). Cytogenetic location: 16q22.2.
Variant type: single nucleotide variant.
Coding change: c.746C>T on transcript NM_001361.5 (MANE Select); coding-DNA position 746, C replaced by T.
Protein change: p.Pro249Leu; replaces proline 249 with leucine.
Molecular consequence: missense variant.
Genome position (GRCh38, 1-based): chr16:72,022,402, C>T. VCF-style: chr16-72022402-C-T. GRCh37 (hg19) VCF-style: chr16-72056301-C-T.
Other names: short protein forms P249L.
Identifiers: ClinVar variation 2081774 (VCV002081774.4), dbSNP rs750085533, ClinGen allele CA8158750.

ClinVar aggregate classification (germline): Uncertain significance (1 of 4 stars; one submission).

Allele frequency attached by ClinVar (database versions not stated): gnomAD exomes 0.00003; TOPMed 0.00004; gnomAD 0.00005.

Submission:

Labcorp Genetics (formerly Invitae), Labcorp
Classification: Uncertain significance. Last evaluated: 2023-10-03. Review status: criteria provided, single submitter. Criteria: Invitae Variant Classification Sherloc (09022015). Collection method: clinical testing. Allele origin: germline.
Comment: This sequence change replaces proline, which is neutral and non-polar, with leucine, which is neutral and non-polar, at codon 249 of the DHODH protein (p.Pro249Leu). This variant is present in population databases (rs750085533, gnomAD 0.01%). This variant has not been reported in the literature in individuals affected with DHODH-related conditions. ClinVar contains an entry for this variant (Variation ID: 2081774). Advanced modeling of protein sequence and biophysical properties (such as structural, functional, and spatial information, amino acid conservation, physicochemical variation, residue mobility, and thermodynamic stability) performed at Invitae indicates that this missense variant is not expected to disrupt DHODH protein function. In summary, the available evidence is currently insufficient to determine the role of this variant in disease. Therefore, it has been classified as a Variant of Uncertain Significance.